The following is an entry in ClinVar:

ClinVar aggregate classification (germline): Uncertain significance (1 of 4 stars; one submission).

Conditions:
Cardiomyopathy (CMYO). Also called: Cardiomyopathies. Identifiers: Orphanet 167848, MedGen C0878544, MONDO:0004994, HP:0001638. Inheritance: Various modes of inheritance.

Submission:

Color Diagnostics, LLC DBA Color Health
Classification: Uncertain significance for Cardiomyopathy. Last evaluated: 2025-07-25. Review status: criteria provided, single submitter. Criteria: ACMG Guidelines, 2015. Collection method: clinical testing. Allele origin: germline.
Comment: This variant causes an in-frame deletion of one amino acid at exon 23 of the DSP protein. To our knowledge, functional studies have not been reported for this variant. This variant has not been reported in individuals affected with DSP-related disorders in the literature. This variant has not been identified in the general population by the Genome Aggregation Database (gnomAD). The available evidence is insufficient to determine the role of this variant in disease conclusively. Therefore, this variant is classified as a Variant of Uncertain Significance.

NM_004415.4(DSP):c.5202GAG[1] (p.Arg1736del)

Gene: DSP (desmoplakin; plus strand). Cytogenetic location: 6p24.3.
Variant type: Microsatellite.
Coding change: c.5202GAG[1] on transcript NM_004415.4 (MANE Select); one copy of the 3-base unit GAG starting at c.5202; the reference has two copies in a row; one copy, 3 bases deleted; also written c.5205_5207del.
Protein change: p.Arg1736del; deletes arginine 1736.
Molecular consequence: intron variant (on NM_001319034.2).
Genome position (GRCh38, 1-based): chr6:7,581,395-7,581,397, GAG deleted; deleting any 3 consecutive bases within chr6:7,581,392-7,581,397 gives the same sequence; the position shown is the placement nearest the transcript's 3' end. VCF-style (leftmost placement, unchanged base first): chr6-7581391-TGAG-T. GRCh37 (hg19) VCF-style: chr6-7581624-TGAG-T.
Other names: c.5205_5207del (NM_004415.4); c.4050+1155_4050+1157del (NM_001319034.2); c.3583-1247_3583-1245del (NM_001008844.3); short protein forms R1736del.
Identifiers: ClinVar variation 4759045 (VCV004759045.1).